The following is an entry in ClinVar:

ClinVar aggregate classification (germline): Likely pathogenic (1 of 4 stars; one submission).

Conditions:
Snijders Blok-Campeau syndrome. Also called: INTELLECTUAL DEVELOPMENTAL DISORDER WITH MACROCEPHALY, SPEECH DELAY, AND DYSMORPHIC FACIES. Identifiers: Orphanet 599082, MedGen C4748701, MONDO:0032600, OMIM 618205.

Allele frequency attached by ClinVar (database versions not stated): gnomAD exomes below 0.00001 and 0.00001; TOPMed 0.00001.
gnomAD v4.1: 13 of 1,613,464 alleles (0.00081%); highest among the groups gnomAD compares: African/African-American, 0.0027%; no homozygotes.

Submission:

Illumina Laboratory Services, Illumina
Classification: Likely pathogenic for Snijders Blok-Campeau syndrome. Last evaluated: 2021-03-24. Review status: criteria provided, single submitter. Criteria: ICSLVariantClassificationCriteria RUGD 01 April 2020. Collection method: clinical testing. Allele origin: unknown.
Comment: The CHD3 c.5989G>A (p.Ala1997Thr) variant is a missense variant. A literature search was performed for the gene, cDNA change, and amino acid change. No publications were found based on this search. This variant is reported at a frequency of 0.000009 in the European (non-Finnish) population of the Genome Aggregation Database v2.1.1 though this is based on one allele in a region of good sequence coverage so the variant is presumed to be rare. The variant is absent from version 3.1.1 of the Genome Aggregation Database. Missense variants are a common mechanism of disease and CHD3 is predicted to be intolerant to missense change. Based on the de novo occurrence of the variant and application of ACMG criteria, the p.Ala1997Thr variant is classified as likely pathogenic for Snijders Blok-Campeau syndrome.

NM_001005273.3(CHD3):c.5812G>A (p.Ala1938Thr)

Gene: CHD3 (chromodomain helicase DNA binding protein 3; plus strand). Cytogenetic location: 17p13.1.
Variant type: single nucleotide variant.
Coding change: c.5812G>A on transcript NM_001005273.3 (MANE Select); coding-DNA position 5812, G replaced by A.
Protein change: p.Ala1938Thr; replaces alanine 1938 with threonine.
Molecular consequence: missense variant.
Genome position (GRCh38, 1-based): chr17:7,910,904, G>A. VCF-style: chr17-7910904-G-A. GRCh37 (hg19) VCF-style: chr17-7814222-G-A.
Other names: c.5989G>A, p.Ala1997Thr (NM_001005271.3); c.5710G>A, p.Ala1904Thr (NM_005852.4); short protein forms A1904T, A1938T, A1997T.
Identifiers: ClinVar variation 1199206 (VCV001199206.4), dbSNP rs1482536453, ClinGen allele CA397951311.
Genomic context (GRCh38, chr17:7,910,904, plus strand): 5'-CAGGCCTACCCGCCGGGTCCCTACGCTACACCTCCGGGGTACGGGGCGGCCTTCAGCGCC[G>A]CACCCGTAGGGGCCCTGGCCGCCGCAGGCGCCAATTACAGCCAGATGCCTGCAGGGTCCT-3'
Protein context (NP_001005273.1, residues 1928-1948): PPGYGAAFSA[Ala1938Thr]PVGALAAAGA